The following is an entry in ClinVar:

NM_002471.4(MYH6):c.4651-9C>A

Genes: MYH6 (myosin heavy chain 6; minus strand), LOC126861896 (BRD4-independent group 4 enhancer GRCh37_chr14:23854904-23856103; plus strand). Cytogenetic location: 14q11.2.
Variant type: single nucleotide variant.
Coding change: c.4651-9C>A on transcript NM_002471.4 (MANE Select); 9 bases into the intron before coding-DNA position 4651, C replaced by A.
Molecular consequence: intron variant.
Genome position (GRCh38, 1-based): chr14:23,386,632, G>T on the plus strand (C>A on the coding strand, the complement: MYH6 is on the minus strand). VCF-style: chr14-23386632-G-T. GRCh37 (hg19) VCF-style: chr14-23855841-G-T.
Identifiers: ClinVar variation 701672 (VCV000701672.11), dbSNP rs1427589559, ClinGen allele CA613317411.

ClinVar aggregate classification (germline): Likely benign. Review status: criteria provided, multiple submitters, no conflicts (2 of 4 stars). 2 submissions from 2 submitters: Likely benign (2). Last evaluated 2025-05-22.

Conditions:
MYH6-related disorder. Also called: MYH6-related condition; MYH6-Related Disorders.
Hypertrophic cardiomyopathy 14. Identifiers: MedGen C2750467, MONDO:0013197, OMIM 613251.

Allele frequency attached by ClinVar (database versions not stated): gnomAD exomes below 0.00001; gnomAD 0.00001; TOPMed 0.00001.

Submissions (2):

PreventionGenetics, part of Exact Sciences
Classification: Likely benign for MYH6-related condition. Last evaluated: 2025-05-22. Review status: criteria provided, single submitter. Criteria: ACMG Guidelines, 2015. Collection method: clinical testing. Allele origin: germline.
Comment: This variant is classified as likely benign based on ACMG/AMP sequence variant interpretation guidelines (Richards et al. 2015 PMID: 25741868, with internal and published modifications).

Labcorp Genetics (formerly Invitae), Labcorp
Classification: Likely benign for Hypertrophic cardiomyopathy 14. Last evaluated: 2025-04-23. Review status: criteria provided, single submitter. Criteria: Invitae Variant Classification Sherloc (09022015). Collection method: clinical testing. Allele origin: germline.